The following is an entry in ClinVar:

ClinVar aggregate classification (germline): Uncertain significance (1 of 4 stars; one submission).

Conditions:
Cardiovascular phenotype. Identifiers: MedGen CN230736.

Allele frequency attached by ClinVar (database versions not stated): gnomAD exomes below 0.00001.
gnomAD v4.1: 1 of 1,614,066 alleles (0.000062%); highest among the groups gnomAD compares: African/African-American, 0.0013%; no homozygotes.

Submission:

Ambry Genetics
Classification: Uncertain significance for Cardiovascular phenotype. Last evaluated: 2023-11-09. Review status: criteria provided, single submitter. Criteria: Ambry Variant Classification Scheme 2023. Collection method: clinical testing. Allele origin: germline.
Comment: The p.L533R variant (also known as c.1598T>G), located in coding exon 1 of the DOLK gene, results from a T to G substitution at nucleotide position 1598. The leucine at codon 533 is replaced by arginine, an amino acid with dissimilar properties. This amino acid position is conserved. In addition, the in silico prediction for this alteration is inconclusive. Since supporting evidence is limited at this time, the clinical significance of this alteration remains unclear.

NM_014908.4(DOLK):c.1598T>G (p.Leu533Arg)

Gene: DOLK (dolichol kinase; minus strand). Cytogenetic location: 9q34.11.
Variant type: single nucleotide variant.
Coding change: c.1598T>G on transcript NM_014908.4 (MANE Select); coding-DNA position 1598, T replaced by G.
Protein change: p.Leu533Arg; replaces leucine 533 with arginine.
Molecular consequence: missense variant.
Genome position (GRCh38, 1-based): chr9:128,945,706, A>C on the plus strand (T>G on the coding strand, the complement: DOLK is on the minus strand). VCF-style: chr9-128945706-A-C. GRCh37 (hg19) VCF-style: chr9-131707985-A-C.
Other names: short protein forms L533R.
Identifiers: ClinVar variation 3226327 (VCV003226327.1), dbSNP rs1400873369, ClinGen allele CA375115237.